The following is an entry in ClinVar:

ClinVar aggregate classification (germline): Uncertain significance (1 of 4 stars; one submission).

Submission:

Labcorp Genetics (formerly Invitae), Labcorp
Classification: Uncertain significance. Last evaluated: 2021-12-25. Review status: criteria provided, single submitter. Criteria: Invitae Variant Classification Sherloc (09022015). Collection method: clinical testing. Allele origin: germline.
Comment: In summary, the available evidence is currently insufficient to determine the role of this variant in disease. Therefore, it has been classified as a Variant of Uncertain Significance. Algorithms developed to predict the effect of missense changes on protein structure and function output the following: SIFT: "Deleterious"; PolyPhen-2: "Benign"; Align-GVGD: "Class C25". The valine amino acid residue is found in multiple mammalian species, which suggests that this missense change does not adversely affect protein function. This variant has not been reported in the literature in individuals affected with CYP2R1-related conditions. This variant is not present in population databases (gnomAD no frequency). This sequence change replaces leucine, which is neutral and non-polar, with valine, which is neutral and non-polar, at codon 193 of the CYP2R1 protein (p.Leu193Val).

NM_024514.5(CYP2R1):c.577C>G (p.Leu193Val)

Genes: CYP2R1 (cytochrome P450 family 2 subfamily R member 1; minus strand), PDE3B (phosphodiesterase 3B; plus strand). Cytogenetic location: 11p15.2.
Variant type: single nucleotide variant.
Coding change: c.577C>G on transcript NM_024514.5 (MANE Select); coding-DNA position 577, C replaced by G.
Protein change: p.Leu193Val; replaces leucine 193 with valine.
Molecular consequence: missense variant. On other transcripts: non-coding transcript variant (6), intron variant (5).
Genome position (GRCh38, 1-based): chr11:14,880,559, G>C on the plus strand (C>G on the coding strand, the complement: CYP2R1 is on the minus strand). VCF-style: chr11-14880559-G-C. GRCh37 (hg19) VCF-style: chr11-14902105-G-C.
Other names: c.232C>G, p.Leu78Val (NM_001377214.1, NM_001377215.1, NM_001377216.1 and 5 more transcripts); c.415C>G, p.Leu139Val (NM_001377217.1); c.433C>G, p.Leu145Val (NM_001400567.1); c.532C>G, p.Leu178Val (NM_001400568.1); c.23-1116C>G (NM_001400566.1); c.78-200C>G (NM_001400562.1, NM_001400564.1, NM_001400565.1 and 1 more transcripts); short protein forms L178V, L78V, L139V, L145V, L193V.
Identifiers: ClinVar variation 2060962 (VCV002060962.4), dbSNP rs1269319852, ClinGen allele CA379748800.